The following is an entry in ClinVar:

NM_014014.5(SNRNP200):c.4423C>T (p.Arg1475Cys)

Gene: SNRNP200 (small nuclear ribonucleoprotein U5 subunit 200; minus strand). Cytogenetic location: 2q11.2.
Variant type: single nucleotide variant.
Coding change: c.4423C>T on transcript NM_014014.5 (MANE Select); coding-DNA position 4423, C replaced by T.
Protein change: p.Arg1475Cys; replaces arginine 1475 with cysteine.
Molecular consequence: missense variant.
Genome position (GRCh38, 1-based): chr2:96,283,974, G>A on the plus strand (C>T on the coding strand, the complement: SNRNP200 is on the minus strand). VCF-style: chr2-96283974-G-A. GRCh37 (hg19) VCF-style: chr2-96949712-G-A.
Other names: short protein forms R1475C.
Identifiers: ClinVar variation 1717701 (VCV001717701.5), dbSNP rs1573991823, ClinGen allele CA347665874.

ClinVar aggregate classification (germline): Uncertain significance (1 of 4 stars; one submission).

Allele frequency attached by ClinVar (database versions not stated): gnomAD exomes below 0.00001.
gnomAD v4.1: 5 of 1,593,008 alleles (0.00031%); highest among the groups gnomAD compares: Non-Finnish European, 0.00034%; no homozygotes.

Submission:

Labcorp Genetics (formerly Invitae), Labcorp
Classification: Uncertain significance. Last evaluated: 2022-08-22. Review status: criteria provided, single submitter. Criteria: Invitae Variant Classification Sherloc (09022015). Collection method: clinical testing. Allele origin: germline.
Comment: This variant is not present in population databases (gnomAD no frequency). This sequence change replaces arginine, which is basic and polar, with cysteine, which is neutral and slightly polar, at codon 1475 of the SNRNP200 protein (p.Arg1475Cys). This variant has not been reported in the literature in individuals affected with SNRNP200-related conditions. Algorithms developed to predict the effect of missense changes on protein structure and function are either unavailable or do not agree on the potential impact of this missense change (SIFT: "Tolerated"; PolyPhen-2: "Probably Damaging"; Align-GVGD: "Class C0"). Algorithms developed to predict the effect of sequence changes on RNA splicing suggest that this variant may create or strengthen a splice site. In summary, the available evidence is currently insufficient to determine the role of this variant in disease. Therefore, it has been classified as a Variant of Uncertain Significance.